The following is an entry in ClinVar:

ClinVar aggregate classification (germline): Benign/Likely benign. Review status: criteria provided, multiple submitters, no conflicts (2 of 4 stars). 5 submissions from 5 submitters: Benign (4); Likely benign (1). Last evaluated 2026-02-03.

Conditions:
Peroxisome biogenesis disorder 13A (Zellweger). Also called: Peroxisome biogenesis disorder 13A. Identifiers: Orphanet 912, MedGen C3554004, MONDO:0013952, OMIM 614887.
Peroxisome biogenesis disorder, complementation group K (CGK). Identifiers: MedGen C1866257, MONDO:0800365.

Allele frequency attached by ClinVar (database versions not stated): gnomAD exomes 0.00209 and 0.00078; ExAC 0.00388; 1000 Genomes Project 0.00819; gnomAD 0.00842 and 0.00912; 1000 Genomes Project 30x 0.00874; TOPMed 0.00974; ESP Exome Variant Server 0.01047.
gnomAD v4.1: 2,453 of 1,592,494 alleles (0.15%); highest among the groups gnomAD compares: African/African-American, 3%; 42 homozygotes.

Submissions (5):

Labcorp Genetics (formerly Invitae), Labcorp
Classification: Benign for Peroxisome biogenesis disorder, complementation group K. Last evaluated: 2026-02-03. Review status: criteria provided, single submitter. Criteria: Invitae Variant Classification Sherloc (09022015). Collection method: clinical testing. Allele origin: germline.

GeneDx
Classification: Likely benign. Last evaluated: 2019-07-26. Review status: criteria provided, single submitter. Criteria: GeneDx Variant Classification Process June 2021. Collection method: clinical testing. Allele origin: germline. Affected: yes.
Comment: See Variant Classification Assertion Criteria.

Illumina Laboratory Services, Illumina
Classification: Benign for Peroxisome biogenesis disorder 13A (Zellweger). Last evaluated: 2018-01-13. Review status: criteria provided, single submitter. Criteria: ICSL Variant Classification Criteria 13 December 2019. Collection method: clinical testing. Allele origin: germline.
Comment: This variant was observed in the ICSL laboratory as part of a predisposition screen in an ostensibly healthy population. It had not been previously curated by ICSL or reported in the Human Gene Mutation Database (HGMD: prior to June 1st, 2018), and was therefore a candidate for classification through an automated scoring system. Utilizing variant allele frequency, disease prevalence and penetrance estimates, and inheritance mode, an automated score was calculated to assess if this variant is too frequent to cause the disease. Based on the score and internal cut-off values, a variant classified as benign is not then subjected to further curation. The score for this variant resulted in a classification of benign for this disease.

Breakthrough Genomics
Classification: Benign. Review status: criteria provided, single submitter. Criteria: ACMG Guidelines, 2015. Collection method: not provided. Allele origin: germline. Inheritance: Autosomal recessive inheritance. Affected: yes.

PreventionGenetics, part of Exact Sciences
Classification: Benign. Review status: criteria provided, single submitter. Criteria: ACMG Guidelines, 2015. Collection method: clinical testing. Allele origin: germline.

NM_004565.3(PEX14):c.959G>A (p.Arg320Lys)

Gene: PEX14 (peroxisomal biogenesis factor 14; plus strand). Cytogenetic location: 1p36.22.
Variant type: single nucleotide variant.
Coding change: c.959G>A on transcript NM_004565.3 (MANE Select); coding-DNA position 959, G replaced by A.
Protein change: p.Arg320Lys; replaces arginine 320 with lysine.
Molecular consequence: missense variant.
Genome position (GRCh38, 1-based): chr1:10,629,812, G>A. VCF-style: chr1-10629812-G-A. GRCh37 (hg19) VCF-style: chr1-10689869-G-A.
Other names: short protein forms R320K.
Identifiers: ClinVar variation 259439 (VCV000259439.18), dbSNP rs12070353, ClinGen allele CA584005.